The following is an entry in ClinVar:

ClinVar aggregate classification (germline): Pathogenic (1 of 4 stars; one submission).

Conditions:
Osteogenesis imperfecta type I (OI1). Also called: OI, TYPE I; OSTEOGENESIS IMPERFECTA TARDA; OSTEOGENESIS IMPERFECTA WITH BLUE SCLERAE; Osteogenesis imperfecta type 1; Lobstein's Disease; Lobstein disease. Identifiers: Orphanet 216796, Orphanet 666, MedGen C0023931, MONDO:0008146, OMIM 166200. Disease mechanism: loss of function.

Submission:

Labcorp Genetics (formerly Invitae), Labcorp
Classification: Pathogenic for Osteogenesis imperfecta type I. Last evaluated: 2017-08-22. Review status: criteria provided, single submitter. Criteria: Invitae Variant Classification Sherloc (09022015). Collection method: clinical testing. Allele origin: germline.
Comment: This variant is a gross deletion of the genomic region encompassing all of exons 3-20 and most of exon 2 (c.117_1353+81del) of the COL1A1 gene. This likely creates a premature translational stop signal and is expected to result in an absent or disrupted protein product. This variant has not been reported in the literature in individuals with COL1A1-related disease. Loss-of-function variants in COL1A1 are known to be pathogenic (PMID: 7942841, 9295084, 9443882). For these reasons, this variant has been classified as Pathogenic.

NC_000017.10:g.(?_48272388)_(48277328_?)del

Gene: COL1A1 (collagen type I alpha 1 chain; minus strand). Cytogenetic location: 17q21.33.
Variant type: Deletion.
Identifiers: ClinVar variation 456723 (VCV000456723.1).